The following is an entry in ClinVar:

NM_032242.4(PLXNA1):c.3957C>T (p.Ile1319=)

Gene: PLXNA1 (plexin A1; plus strand). Cytogenetic location: 3q21.3.
Variant type: single nucleotide variant.
Coding change: c.3957C>T on transcript NM_032242.4 (MANE Select); coding-DNA position 3957, C replaced by T.
Protein change: p.Ile1319=; no amino-acid change (isoleucine 1319 retained).
Molecular consequence: synonymous variant.
Genome position (GRCh38, 1-based): chr3:127,020,263, C>T. VCF-style: chr3-127020263-C-T. GRCh37 (hg19) VCF-style: chr3-126739106-C-T.
Identifiers: ClinVar variation 5000551 (VCV005000551.1).

ClinVar aggregate classification (germline): Likely benign (1 of 4 stars; one submission).

Conditions:
PLXNA1-related disorder. Also called: PLXNA1-related condition.

gnomAD v4.1: 5 of 1,613,140 alleles (0.00031%); highest among the groups gnomAD compares: Admixed American, 0.0017%; no homozygotes.

Submission:

PreventionGenetics, part of Exact Sciences
Classification: Likely benign for PLXNA1-related condition. Last evaluated: 2024-12-05. Review status: criteria provided, single submitter. Criteria: ACMG Guidelines, 2015. Collection method: clinical testing. Allele origin: germline.
Comment: This variant is classified as likely benign based on ACMG/AMP sequence variant interpretation guidelines (Richards et al. 2015 PMID: 25741868, with internal and published modifications).